The following is an entry in ClinVar:

ClinVar aggregate classification (germline): Uncertain significance (1 of 4 stars; one submission).

Submission:

CeGaT Center for Human Genetics Tuebingen
Classification: Uncertain significance. Last evaluated: 2023-02-01. Review status: criteria provided, single submitter. Criteria: CeGaT Center For Human Genetics Tuebingen Variant Classification Criteria Version 2. Collection method: clinical testing. Allele origin: germline. Affected: yes. Observed: 1 variant allele.
Comment: BPTF: PM2, BP4

NM_182641.4(BPTF):c.4184C>T (p.Ser1395Phe)

Gene: BPTF (bromodomain PHD finger transcription factor; plus strand). Cytogenetic location: 17q24.2.
Variant type: single nucleotide variant.
Coding change: c.4184C>T on transcript NM_182641.4 (MANE Select); coding-DNA position 4184, C replaced by T.
Protein change: p.Ser1395Phe; replaces serine 1395 with phenylalanine.
Molecular consequence: missense variant.
Genome position (GRCh38, 1-based): chr17:67,912,068, C>T. VCF-style: chr17-67912068-C-T. GRCh37 (hg19) VCF-style: chr17-65908184-C-T.
Other names: c.4562C>T, p.Ser1521Phe (NM_004459.7); short protein forms S1395F, S1521F.
Identifiers: ClinVar variation 2648136 (VCV002648136.24), dbSNP rs2511478150, ClinGen allele CA400728976.
Genomic context (GRCh38, chr17:67,912,068, plus strand): 5'-GTAGTGATCAAATAAAGCTAAAAAATACCACTGACAAAAAGAATAATGAAAATCGAGAGT[C>T]TGAAAAGAAAGGACAGAGAACAAGTACATTTCAAATAAATGGAAAAGATAATAAACCCAA-3'
Protein context (NP_872579.2, residues 1385-1405): TDKKNNENRE[Ser1395Phe]EKKGQRTSTF